The following is an entry in ClinVar:

ClinVar aggregate classification (germline): Benign/Likely benign. Review status: criteria provided, multiple submitters, no conflicts (2 of 4 stars). 5 submissions from 5 submitters: Benign (2); Likely benign (2). 1 of the submissions does not count toward it. Last evaluated 2026-01-31.

Conditions:
CCN6-related disorder. Also called: CCN6-related condition.
Progressive pseudorheumatoid dysplasia (PPRD). Also called: SPONDYLOEPIPHYSEAL DYSPLASIA TARDA WITH PROGRESSIVE ARTHROPATHY; Progressive Pseudorheumatoid Arthropathy of Childhood. Identifiers: Orphanet 1159, MedGen C0432215, MONDO:0008827, OMIM 208230. Disease mechanism: loss of function.

Allele frequency attached by ClinVar (database versions not stated): gnomAD exomes 0.00020 and 0.00051; ExAC 0.00065; gnomAD 0.00173 and 0.00180; ESP Exome Variant Server 0.00177; 1000 Genomes Project 0.00200; TOPMed 0.00208; 1000 Genomes Project 30x 0.00250.
gnomAD v4.1: 556 of 1,614,058 alleles (0.034%); highest among the groups gnomAD compares: African/African-American, 0.68%; 3 homozygotes.

Submissions (5):

Labcorp Genetics (formerly Invitae), Labcorp
Classification: Benign. Last evaluated: 2026-01-31. Review status: criteria provided, single submitter. Criteria: Invitae Variant Classification Sherloc (09022015). Collection method: clinical testing. Allele origin: germline.

Women's Health and Genetics/Laboratory Corporation of America, LabCorp
Classification: Benign. Last evaluated: 2025-07-22. Review status: criteria provided, single submitter. Criteria: LabCorp Variant Classification Summary - May 2015. Collection method: clinical testing. Allele origin: germline.
Comment: Variant summary: CCN6 c.533A>T (p.Asn178Ile) results in a non-conservative amino acid change in the encoded protein sequence. Algorithms developed to predict the effect of missense changes on protein structure and function are either unavailable or do not agree on the potential impact of this missense change. The variant allele was found at a frequency of 0.00034 in 1607086 control chromosomes, predominantly at a frequency of 0.0068 within the African or African-American subpopulation in the gnomAD database, including 3 homozygotes. The observed variant frequency within African or African-American control individuals in the gnomAD database is approximately 6-fold of the estimated maximal expected allele frequency for a pathogenic variant in CCN6 causing Progressive Pseudorheumatoid Dysplasia phenotype (0.0011). To our knowledge, no occurrence of c.533A>T in individuals affected with Progressive Pseudorheumatoid Dysplasia and no experimental evidence demonstrating its impact on protein function have been reported. ClinVar contains an entry for this variant (Variation ID: 500275). Based on the evidence outlined above, the variant was classified as benign.

ARUP Laboratories, Molecular Genetics and Genomics, ARUP Laboratories
Classification: Likely benign for Progressive pseudorheumatoid dysplasia. Last evaluated: 2023-07-27. Review status: criteria provided, single submitter. Criteria: ARUP Molecular Germline Variant Investigation Process 2024. Collection method: clinical testing. Allele origin: germline.

Eurofins Ntd Llc (ga)
Classification: Likely benign. Last evaluated: 2017-02-21. Review status: criteria provided, single submitter. Criteria: EGL Classification Definitions 2015. Collection method: clinical testing. Allele origin: germline. Observed: 1 variant allele, 1 heterozygote.

PreventionGenetics, part of Exact Sciences
Classification: Benign for CCN6-related condition. Last evaluated: 2020-03-12. Review status: no assertion criteria provided. Collection method: clinical testing. Allele origin: germline. Not counted in ClinVar's aggregate classification.
Comment: This variant is classified as benign based on ACMG/AMP sequence variant interpretation guidelines (Richards et al. 2015 PMID: 25741868, with internal and published modifications).

NM_198239.2(CCN6):c.533A>T (p.Asn178Ile)

Gene: CCN6 (cellular communication network factor 6; plus strand). Cytogenetic location: 6q21.
Variant type: single nucleotide variant.
Coding change: c.533A>T on transcript NM_198239.2 (MANE Select); coding-DNA position 533, A replaced by T.
Protein change: p.Asn178Ile; replaces asparagine 178 with isoleucine.
Molecular consequence: missense variant. On other transcripts: non-coding transcript variant (2).
Genome position (GRCh38, 1-based): chr6:112,064,941, A>T. VCF-style: chr6-112064941-A-T. GRCh37 (hg19) VCF-style: chr6-112386144-A-T.
Other names: c.533A>T, p.Asn178Ile (NM_003880.4); c.533A>T (NM_003880.3); short protein forms N178I.
Identifiers: ClinVar variation 500275 (VCV000500275.17), dbSNP rs35374349, ClinGen allele CA3964006.
Genomic context (GRCh38, chr6:112,064,941, plus strand): 5'-CAAAGCTGGCTGGCAGTCACTGCTCTGGAGCTAAAGGTGGAAAGAAGTCTGATCAGTCAA[A>T]CTGTAGCCTGGAACCATTACTACAGCAGCTTTCAACAAGCTACAAAACAATGCCAGGTGC-3'
Protein context (NP_937882.2, residues 168-188): AKGGKKSDQS[Asn178Ile]CSLEPLLQQL